The following is an entry in ClinVar:

ClinVar aggregate classification (germline): Uncertain significance (1 of 4 stars; one submission).

Conditions:
Cardiovascular phenotype. Identifiers: MedGen CN230736.

gnomAD v4.1: 6 of 1,614,134 alleles (0.00037%); highest among the groups gnomAD compares: Non-Finnish European, 0.00051%; no homozygotes.

Submission:

Ambry Genetics
Classification: Uncertain significance for Cardiovascular phenotype. Last evaluated: 2024-05-25. Review status: criteria provided, single submitter. Criteria: Ambry Variant Classification Scheme 2023. Collection method: clinical testing. Allele origin: germline.
Comment: The p.D78N variant (also known as c.232G>A), located in coding exon 3 of the CACNB2 gene, results from a G to A substitution at nucleotide position 232. The aspartic acid at codon 78 is replaced by asparagine, an amino acid with highly similar properties. This amino acid position is conserved. In addition, this alteration is predicted to be tolerated by in silico analysis. Based on the available evidence, the clinical significance of this variant remains unclear.

NM_201596.3(CACNB2):c.394G>A (p.Asp132Asn)

Gene: CACNB2 (calcium voltage-gated channel auxiliary subunit beta 2; plus strand). Cytogenetic location: 10p12.31.
Variant type: single nucleotide variant.
Coding change: c.394G>A on transcript NM_201596.3 (MANE Select); coding-DNA position 394, G replaced by A.
Protein change: p.Asp132Asn; replaces aspartic acid 132 with asparagine.
Molecular consequence: missense variant.
Genome position (GRCh38, 1-based): chr10:18,498,415, G>A. VCF-style: chr10-18498415-G-A. GRCh37 (hg19) VCF-style: chr10-18787344-G-A.
Other names: c.229G>A, p.Asp77Asn (NM_000724.4, NM_001330060.2); c.310G>A, p.Asp104Asn (NM_001167945.2, NM_201571.4, NM_201572.4); c.250G>A, p.Asp84Asn (NM_001410882.1, NM_201570.3); c.232G>A, p.Asp78Asn (NM_201590.3); c.394G>A, p.Asp132Asn (NM_201593.3, NM_201597.3); short protein forms D132N, D77N, D78N, D104N, D84N.
Identifiers: ClinVar variation 3262855 (VCV003262855.1).